The following is an entry in ClinVar:

ClinVar aggregate classification (germline): Uncertain significance (1 of 4 stars; one submission).

Allele frequency attached by ClinVar (database versions not stated): gnomAD exomes 0.00005; ExAC 0.00007; gnomAD 0.00022 and 0.00024; TOPMed 0.00022; ESP Exome Variant Server 0.00031.

Submission:

Labcorp Genetics (formerly Invitae), Labcorp
Classification: Uncertain significance. Last evaluated: 2022-06-13. Review status: criteria provided, single submitter. Criteria: Invitae Variant Classification Sherloc (09022015). Collection method: clinical testing. Allele origin: germline.
Comment: This sequence change replaces valine, which is neutral and non-polar, with glycine, which is neutral and non-polar, at codon 441 of the CUL7 protein (p.Val441Gly). This variant is present in population databases (rs147064388, gnomAD 0.07%). This variant has not been reported in the literature in individuals affected with CUL7-related conditions. Algorithms developed to predict the effect of missense changes on protein structure and function (SIFT, PolyPhen-2, Align-GVGD) all suggest that this variant is likely to be tolerated. Algorithms developed to predict the effect of sequence changes on RNA splicing suggest that this variant may create or strengthen a splice site. In summary, the available evidence is currently insufficient to determine the role of this variant in disease. Therefore, it has been classified as a Variant of Uncertain Significance.

NM_014780.5(CUL7):c.1322T>G (p.Val441Gly)

Gene: CUL7 (cullin 7; minus strand). Cytogenetic location: 6p21.1.
Variant type: single nucleotide variant.
Coding change: c.1322T>G on transcript NM_014780.5 (MANE Select); coding-DNA position 1322, T replaced by G.
Protein change: p.Val441Gly; replaces valine 441 with glycine.
Molecular consequence: missense variant.
Genome position (GRCh38, 1-based): chr6:43,050,310, A>C on the plus strand (T>G on the coding strand, the complement: CUL7 is on the minus strand). VCF-style: chr6-43050310-A-C. GRCh37 (hg19) VCF-style: chr6-43018048-A-C.
Other names: c.1418T>G, p.Val473Gly (NM_001168370.2, NM_001374872.1); c.1322T>G, p.Val441Gly (NM_001374873.1, NM_001374874.1); short protein forms V473G, V441G.
Identifiers: ClinVar variation 1421222 (VCV001421222.5), dbSNP rs147064388, ClinGen allele CA3814171.